The following is an entry in ClinVar:

NM_006186.4(NR4A2):c.1613A>G (p.His538Arg)

Gene: NR4A2 (nuclear receptor subfamily 4 group A member 2; minus strand). Cytogenetic location: 2q24.1.
Variant type: single nucleotide variant.
Coding change: c.1613A>G on transcript NM_006186.4 (MANE Select); coding-DNA position 1613, A replaced by G.
Protein change: p.His538Arg; replaces histidine 538 with arginine.
Molecular consequence: missense variant.
Genome position (GRCh38, 1-based): chr2:156,325,928, T>C on the plus strand (A>G on the coding strand, the complement: NR4A2 is on the minus strand). VCF-style: chr2-156325928-T-C. GRCh37 (hg19) VCF-style: chr2-157182440-T-C.
Other names: c.1424A>G, p.His475Arg (NM_173173.3); short protein forms H475R, H538R.
Identifiers: ClinVar variation 3906988 (VCV003906988.1).

ClinVar aggregate classification (germline): Uncertain significance (1 of 4 stars; one submission).

Conditions:
Intellectual developmental disorder with language impairment and early-onset DOPA-responsive dystonia-parkinsonism (IDLDP). Identifiers: Orphanet 660017, MedGen C5677001, MONDO:0859257, OMIM 619911.

Submission:

Institute of Human Genetics, University of Goettingen
Classification: Uncertain significance for Intellectual developmental disorder with language impairment and early-onset DOPA-responsive dystonia-parkinsonism. Review status: criteria provided, single submitter. Criteria: ACMG Guidelines, 2015. Collection method: clinical testing. Allele origin: unknown. Affected: yes.
Comment: The variant c.1613A>G p.His538Arg on gene NR4A2 is a missense variant. Computational evidence supporting the predicted effect of the variant includes a CADD score of 25.8 and a REVEL score of 0.928. The variant has been classified, according to ACMG/AMP criteria, as uncertain significance for three MedGen conditions. The worst classification of uncertain significance has been reached for the condition commonly known as Parkinson's disease. For this condition, the variant met the following ACMG/AMP criteria: PM2 and PP3, with PP3 being upgraded to moderate evidence.